The following is an entry in ClinVar:

NM_000489.6(ATRX):c.1423C>G (p.His475Asp)

Gene: ATRX (ATRX chromatin remodeler; minus strand). Cytogenetic location: Xq21.1.
Variant type: single nucleotide variant.
Coding change: c.1423C>G on transcript NM_000489.6 (MANE Select); coding-DNA position 1423, C replaced by G.
Protein change: p.His475Asp; replaces histidine 475 with aspartic acid.
Molecular consequence: missense variant.
Genome position (GRCh38, 1-based): chrX:77,683,833, G>C on the plus strand (C>G on the coding strand, the complement: ATRX is on the minus strand). VCF-style: chrX-77683833-G-C. GRCh37 (hg19) VCF-style: chrX-76939325-G-C.
Other names: c.1309C>G, p.His437Asp (NM_138270.5); short protein forms H475D, H437D.
Identifiers: ClinVar variation 133653 (VCV000133653.21), dbSNP rs146863015, ClinGen allele CA157230.

ClinVar aggregate classification (germline): Benign/Likely benign. Review status: criteria provided, multiple submitters, no conflicts (2 of 4 stars). 6 submissions from 6 submitters: Benign (3); Likely benign (1). 2 of the submissions do not count toward it. Last evaluated 2026-01-26.

Conditions:
Inborn genetic diseases. Identifiers: MedGen C0950123, MeSH D030342.
Alpha thalassemia-X-linked intellectual disability syndrome (ATRX). Also called: X-linked alpha-thalassemia-mental retardation syndrome; ALPHA-THALASSEMIA/MENTAL RETARDATION SYNDROME, X-LINKED; ATR, NONDELETION TYPE; ATR-X syndrome; Alpha thalassemia mental retardation syndrome, nondeletion type, X-linked; XLMR hypotonic face syndrome. Identifiers: Orphanet 847, MedGen C1845055, MONDO:0010519, OMIM 301040.

Allele frequency attached by ClinVar (database versions not stated): ExAC 0.00018; gnomAD exomes 0.00036; 1000 Genomes Project 30x 0.00042; TOPMed 0.00045; ESP Exome Variant Server 0.00047; gnomAD 0.00050; 1000 Genomes Project 0.00053.
gnomAD v4.1: 258 of 1,208,486 alleles (0.021%); highest among the groups gnomAD compares: South Asian, 0.29%; 1 homozygote.

Submissions (6):

Labcorp Genetics (formerly Invitae), Labcorp
Classification: Benign for Alpha thalassemia-X-linked intellectual disability syndrome. Last evaluated: 2026-01-26. Review status: criteria provided, single submitter. Criteria: Invitae Variant Classification Sherloc (09022015). Collection method: clinical testing. Allele origin: germline.

Blueprint Genetics
Classification: Likely benign. Last evaluated: 2024-05-23. Review status: criteria provided, single submitter. Criteria: ACMG Guidelines, 2015. Collection method: clinical testing. Allele origin: germline.

GeneDx
Classification: Benign. Last evaluated: 2020-02-12. Review status: criteria provided, single submitter. Criteria: GeneDx Variant Classification Process June 2021. Collection method: clinical testing. Allele origin: germline. Affected: yes.

Ambry Genetics
Classification: Benign for Inborn genetic diseases. Last evaluated: 2017-06-16. Review status: criteria provided, single submitter. Criteria: Ambry Variant Classification Scheme 2023. Collection method: clinical testing. Allele origin: germline.

Natera, Inc.
Classification: Likely benign for X-linked alpha-thalassemia-mental retardation syndrome. Last evaluated: 2020-01-24. Review status: no assertion criteria provided. Collection method: clinical testing. Allele origin: germline. Not counted in ClinVar's aggregate classification.

ITMI
No classification provided. Condition: AllHighlyPenetrant. Last evaluated: 2013-09-19. Review status: no classification provided. Collection method: reference population. Allele origin: germline. Not counted in ClinVar's aggregate classification.
Comment: Please see associated publication for description of ethnicities

Literature cited by the submitters: PubMed 24728327 (cited by ITMI).